The following is an entry in ClinVar:

ClinVar aggregate classification (germline): Uncertain significance (1 of 4 stars; one submission).

Conditions:
Hereditary cancer-predisposing syndrome. Also called: Hereditary Cancer Syndrome; Hereditary neoplastic syndrome; Tumor predisposition; Neoplastic Syndromes, Hereditary. Identifiers: Orphanet 140162, MedGen C0027672, MeSH D009386, MONDO:0015356.

Submission:

Ambry Genetics
Classification: Uncertain significance for Hereditary cancer-predisposing syndrome. Last evaluated: 2022-07-07. Review status: criteria provided, single submitter. Criteria: Ambry Variant Classification Scheme 2023. Collection method: clinical testing. Allele origin: germline.
Comment: The p.N367D variant (also known as c.1099A>G), located in coding exon 6 of the RET gene, results from an A to G substitution at nucleotide position 1099. The asparagine at codon 367 is replaced by aspartic acid, an amino acid with highly similar properties. This amino acid position is conserved. In addition, this alteration is predicted to be tolerated by in silico analysis. Since supporting evidence is limited at this time, the clinical significance of this alteration remains unclear.

NM_020975.6(RET):c.1099A>G (p.Asn367Asp)

Gene: RET (ret proto-oncogene; plus strand). Cytogenetic location: 10q11.21.
Variant type: single nucleotide variant.
Coding change: c.1099A>G on transcript NM_020975.6 (MANE Select); coding-DNA position 1099, A replaced by G.
Protein change: p.Asn367Asp; replaces asparagine 367 with aspartic acid.
Molecular consequence: missense variant.
Genome position (GRCh38, 1-based): chr10:43,109,066, A>G. VCF-style: chr10-43109066-A-G. GRCh37 (hg19) VCF-style: chr10-43604514-A-G.
Other names: c.1099A>G, p.Asn367Asp (NM_000323.2, NM_001406743.1, NM_001406744.1 and 6 more transcripts); c.337A>G, p.Asn113Asp (NM_001355216.2); c.970A>G, p.Asn324Asp (NM_001406761.1, NM_001406762.1, NM_001406764.1 and 1 more transcripts); c.811A>G, p.Asn271Asp (NM_001406766.1, NM_001406767.1, NM_001406770.1); c.661A>G, p.Asn221Asp (NM_001406771.1, NM_001406773.1); c.373A>G, p.Asn125Asp (NM_001406775.1, NM_001406776.1, NM_001406777.1 and 1 more transcripts); c.109A>G, p.Asn37Asp (NM_001406784.1); short protein forms N125D, N324D, N221D, N367D, N113D, N271D, N37D.
Identifiers: ClinVar variation 1791470 (VCV001791470.2), dbSNP rs2538423594, ClinGen allele CA376547311.